The following is an entry in ClinVar:

ClinVar aggregate classification (germline): Conflicting classifications of pathogenicity. Review status: criteria provided, conflicting classifications (1 of 4 stars). 3 submissions from 3 submitters: Uncertain significance (2); Likely benign (1). Last evaluated 2025-07-18.

Conditions:
Dystonia 28, childhood-onset (DYT28). Also called: KMT2B-Related Dystonia (DYT-KMT2B). Identifiers: Orphanet 589618, MedGen C4310633, MONDO:0015004, OMIM 617284.

Allele frequency attached by ClinVar (database versions not stated): gnomAD 0.00001; gnomAD exomes 0.00002; TOPMed 0.00003; ExAC 0.00006.
gnomAD v4.1: 33 of 1,586,862 alleles (0.0021%); highest among the groups gnomAD compares: Middle Eastern, 0.033%; no homozygotes.

Submissions (3):

Labcorp Genetics (formerly Invitae), Labcorp
Classification: Likely benign. Last evaluated: 2025-07-18. Review status: criteria provided, single submitter. Criteria: Invitae Variant Classification Sherloc (09022015). Collection method: clinical testing. Allele origin: germline.

GeneDx
Classification: Uncertain significance. Last evaluated: 2024-09-04. Review status: criteria provided, single submitter. Criteria: GeneDx Variant Classification Process June 2021. Collection method: clinical testing. Allele origin: germline. Affected: yes.
Comment: In silico analysis supports that this missense variant has a deleterious effect on protein structure/function; Has not been previously published as pathogenic or benign to our knowledge

New York Genome Center
Classification: Uncertain significance for Dystonia 28, childhood-onset. Last evaluated: 2020-09-23. Review status: criteria provided, single submitter. Criteria: NYGC Assertion Criteria 2020. Collection method: clinical testing. Allele origin: germline. Observed: 1 compound heterozygote. Study: CSER-NYCKidSeq.
Comment: The heterozygous c.4460G>A (p.Arg1487His) variant identified in the KMT2B gene has not been reported in affected individuals in the available literature. The variant has 0.00001314 allele frequency in the gnomAD(v3) database (2 out of 152,214 heterozygous alleles) indicating it is a rare allele in populations represented in this database. The affected p.Arg1487His residue is moderately conserved and In Silico prediction tools provide conflicting interpretations about potential pathogenicity of this variant. Based on the available evidence, the p.Arg1487His variant in the KMT2B gene is assessed as a variant of uncertain significance.

NM_014727.3(KMT2B):c.4460G>A (p.Arg1487His)

Gene: KMT2B (lysine methyltransferase 2B; plus strand). Cytogenetic location: 19q13.12.
Variant type: single nucleotide variant.
Coding change: c.4460G>A on transcript NM_014727.3 (MANE Select); coding-DNA position 4460, G replaced by A.
Protein change: p.Arg1487His; replaces arginine 1487 with histidine.
Molecular consequence: missense variant.
Genome position (GRCh38, 1-based): chr19:35,727,948, G>A. VCF-style: chr19-35727948-G-A. GRCh37 (hg19) VCF-style: chr19-36218849-G-A.
Other names: short protein forms R1487H.
Identifiers: ClinVar variation 1213723 (VCV001213723.7), dbSNP rs753899619, ClinGen allele CA9385099.